The following is an entry in ClinVar:

NM_001844.5(COL2A1):c.2463G>C (p.Pro821=)

Gene: COL2A1 (collagen type II alpha 1 chain; minus strand). Cytogenetic location: 12q13.11.
Variant type: single nucleotide variant.
Coding change: c.2463G>C on transcript NM_001844.5 (MANE Select); coding-DNA position 2463, G replaced by C.
Protein change: p.Pro821=; no amino-acid change (proline 821 retained).
Molecular consequence: synonymous variant.
Genome position (GRCh38, 1-based): chr12:47,981,343, C>G on the plus strand (G>C on the coding strand, the complement: COL2A1 is on the minus strand). VCF-style: chr12-47981343-C-G. GRCh37 (hg19) VCF-style: chr12-48375126-C-G.
Other names: c.2256G>C, p.Pro752= (NM_033150.3).
Identifiers: ClinVar variation 1991633 (VCV001991633.4), dbSNP rs769766820, ClinGen allele CA479458852.
Genomic context (GRCh38, chr12:47,981,343, plus strand): 5'-CTGGCTCTCTGGTTCCCAGGGGCCTCGGGCAGAGCCAGGCTCAGAGGGGCAGACACTCAC[C>G]GGAGCGCCACGAGCACCAGCACTTCCTGCAGGACCAGGAGGTCCAACTTCTCCCTGAGGG-3'
Protein context (NP_001835.3, residues 811-831): PAGSAGARGA[Pro821=]GERGETGPPG

ClinVar aggregate classification (germline): Uncertain significance (1 of 4 stars; one submission).

Submission:

Labcorp Genetics (formerly Invitae), Labcorp
Classification: Uncertain significance. Last evaluated: 2022-10-13. Review status: criteria provided, single submitter. Criteria: Invitae Variant Classification Sherloc (09022015). Collection method: clinical testing. Allele origin: germline.
Comment: This variant has not been reported in the literature in individuals affected with COL2A1-related conditions. In summary, the available evidence is currently insufficient to determine the role of this variant in disease. Therefore, it has been classified as a Variant of Uncertain Significance. Variants that disrupt the consensus splice site are a relatively common cause of aberrant splicing (PMID: 17576681, 9536098). Algorithms developed to predict the effect of sequence changes on RNA splicing suggest that this variant is not likely to affect RNA splicing. This variant is not present in population databases (gnomAD no frequency). This sequence change affects codon 821 of the COL2A1 mRNA. It is a 'silent' change, meaning that it does not change the encoded amino acid sequence of the COL2A1 protein. This variant also falls at the last nucleotide of exon 37, which is part of the consensus splice site for this exon.

Literature cited by the submitters: PubMed 17576681; PubMed 9536098.